The following is an entry in ClinVar:

NM_001077653.2(TBX20):c.463G>C (p.Val155Leu)

Gene: TBX20 (T-box transcription factor 20; minus strand). Cytogenetic location: 7p14.2.
Variant type: single nucleotide variant.
Coding change: c.463G>C on transcript NM_001077653.2 (MANE Select); coding-DNA position 463, G replaced by C.
Protein change: p.Val155Leu; replaces valine 155 with leucine.
Molecular consequence: missense variant.
Genome position (GRCh38, 1-based): chr7:35,248,759, C>G on the plus strand (G>C on the coding strand, the complement: TBX20 is on the minus strand). VCF-style: chr7-35248759-C-G. GRCh37 (hg19) VCF-style: chr7-35288371-C-G.
Other names: c.463G>C, p.Val155Leu (NM_001166220.1); short protein forms V155L.
Identifiers: ClinVar variation 2092890 (VCV002092890.4), dbSNP rs1790245812, ClinGen allele CA367264690.

ClinVar aggregate classification (germline): Uncertain significance (1 of 4 stars; one submission).

Submission:

Labcorp Genetics (formerly Invitae), Labcorp
Classification: Uncertain significance. Last evaluated: 2024-02-23. Review status: criteria provided, single submitter. Criteria: Invitae Variant Classification Sherloc (09022015). Collection method: clinical testing. Allele origin: germline.
Comment: This sequence change replaces valine, which is neutral and non-polar, with leucine, which is neutral and non-polar, at codon 155 of the TBX20 protein (p.Val155Leu). This variant is not present in population databases (gnomAD no frequency). This variant has not been reported in the literature in individuals affected with TBX20-related conditions. ClinVar contains an entry for this variant (Variation ID: 2092890). Advanced modeling of protein sequence and biophysical properties (such as structural, functional, and spatial information, amino acid conservation, physicochemical variation, residue mobility, and thermodynamic stability) performed at Invitae indicates that this missense variant is not expected to disrupt TBX20 protein function with a negative predictive value of 80%. In summary, the available evidence is currently insufficient to determine the role of this variant in disease. Therefore, it has been classified as a Variant of Uncertain Significance.